The following is an entry in ClinVar:

NM_001384732.1(CPLANE1):c.570+9_570+10insATTTTTTATAATGATTTTATATATATAAAAG

Gene: CPLANE1 (ciliogenesis and planar polarity effector complex subunit 1; minus strand). Cytogenetic location: 5p13.2.
Variant type: Insertion.
Coding change: c.570+9_570+10insATTTTTTATAATGATTTTATATATATAAAAG on transcript NM_001384732.1 (MANE Select); bases 9 to 10 of the intron after coding-DNA position 570, ATTTTTTATAATGATTTTATATATATAAAAG inserted.
Molecular consequence: intron variant.
Genome position: GRCh38: chr5:37,244,366-37,244,367. GRCh37 (hg19): chr5:37,244,468-37,244,469.
Other names: c.570+9_570+10insATTTTTTATAATGATTTTATATATATAAAAG (NM_023073.4).
Identifiers: ClinVar variation 1437981 (VCV001437981.3), dbSNP rs1410614088, ClinGen allele CA559295763.

ClinVar aggregate classification (germline): Uncertain significance (1 of 4 stars; one submission).

Submission:

Labcorp Genetics (formerly Invitae), Labcorp
Classification: Uncertain significance. Last evaluated: 2022-10-28. Review status: criteria provided, single submitter. Criteria: Invitae Variant Classification Sherloc (09022015). Collection method: clinical testing. Allele origin: germline.
Comment: This sequence change falls in intron 5 of the CPLANE1 gene. It does not directly change the encoded amino acid sequence of the CPLANE1 protein. This variant is present in population databases (no rsID available, gnomAD 0.004%). This variant has not been reported in the literature in individuals affected with CPLANE1-related conditions. ClinVar contains an entry for this variant (Variation ID: 1437981). Algorithms developed to predict the effect of sequence changes on RNA splicing suggest that this variant may create or strengthen a splice site. In summary, the available evidence is currently insufficient to determine the role of this variant in disease. Therefore, it has been classified as a Variant of Uncertain Significance.